The following is an entry in ClinVar:

ClinVar aggregate classification (germline): Uncertain significance. Review status: criteria provided, multiple submitters, no conflicts (2 of 4 stars). 2 submissions from 2 submitters: Uncertain significance (2). Last evaluated 2024-02-13.

Conditions:
Neuropathy, hereditary sensory and autonomic, type 2A (HSAN2A). Also called: MORVAN DISEASE; NEUROPATHY, CONGENITAL SENSORY; NEUROPATHY, HEREDITARY SENSORY RADICULAR, AUTOSOMAL RECESSIVE; NEUROPATHY, HEREDITARY SENSORY, TYPE IIA; NEUROPATHY, PROGRESSIVE SENSORY, OF CHILDREN; WNK1-Related HSAN2 (HSAN2A). Identifiers: Orphanet 970, MedGen C2752089, MONDO:0024309, OMIM 201300.
Pseudohypoaldosteronism type 2C (PHA2C). Also called: Pseudohypoaldosteronism Type IIC. Identifiers: Orphanet 757, Orphanet 88940, MedGen C1840391, MONDO:0013778, OMIM 614492.

Allele frequency attached by ClinVar (database versions not stated): gnomAD exomes 0.00001; ExAC 0.00002; gnomAD 0.00003 and 0.00004; TOPMed 0.00005; ESP Exome Variant Server 0.00008.
gnomAD v4.1: 6 of 1,613,752 alleles (0.00037%); highest among the groups gnomAD compares: African/African-American, 0.0067%; no homozygotes.

Submissions (2):

Labcorp Genetics (formerly Invitae), Labcorp
Classification: Uncertain significance for Neuropathy, hereditary sensory and autonomic, type 2A; Pseudohypoaldosteronism type 2C. Last evaluated: 2024-02-13. Review status: criteria provided, single submitter. Criteria: Invitae Variant Classification Sherloc (09022015). Collection method: clinical testing. Allele origin: germline.
Comment: This sequence change replaces valine, which is neutral and non-polar, with leucine, which is neutral and non-polar, at codon 655 of the WNK1 protein (p.Val655Leu). This variant is present in population databases (rs370488966, gnomAD 0.01%). This variant has not been reported in the literature in individuals affected with WNK1-related conditions. ClinVar contains an entry for this variant (Variation ID: 1051421). Advanced modeling of protein sequence and biophysical properties (such as structural, functional, and spatial information, amino acid conservation, physicochemical variation, residue mobility, and thermodynamic stability) performed at Invitae indicates that this missense variant is not expected to disrupt WNK1 protein function with a negative predictive value of 95%. In summary, the available evidence is currently insufficient to determine the role of this variant in disease. Therefore, it has been classified as a Variant of Uncertain Significance.

Fulgent Genetics
Classification: Uncertain significance for Neuropathy, hereditary sensory and autonomic, type 2A; Pseudohypoaldosteronism type 2C. Last evaluated: 2021-11-20. Review status: criteria provided, single submitter. Criteria: ACMG Guidelines, 2015. Collection method: clinical testing. Allele origin: unknown.

NM_018979.4(WNK1):c.1963G>C (p.Val655Leu)

Gene: WNK1 (WNK lysine deficient protein kinase 1; plus strand). Cytogenetic location: 12p13.33.
Variant type: single nucleotide variant.
Coding change: c.1963G>C on transcript NM_018979.4 (MANE Select); coding-DNA position 1963, G replaced by C.
Protein change: p.Val655Leu; replaces valine 655 with leucine.
Molecular consequence: missense variant.
Genome position (GRCh38, 1-based): chr12:862,094, G>C. VCF-style: chr12-862094-G-C. GRCh37 (hg19) VCF-style: chr12-971260-G-C.
Other names: c.1963G>C, p.Val655Leu (NM_001184985.2, NM_014823.3, NM_213655.5); short protein forms V655L.
Identifiers: ClinVar variation 1051421 (VCV001051421.10), dbSNP rs370488966, ClinGen allele CA6382079.